The following is an entry in ClinVar:

NM_001194.4(HCN2):c.1415C>T (p.Ser472Leu)

Gene: HCN2 (hyperpolarization activated cyclic nucleotide gated potassium and sodium channel 2; plus strand). Cytogenetic location: 19p13.3.
Variant type: single nucleotide variant.
Coding change: c.1415C>T on transcript NM_001194.4 (MANE Select); coding-DNA position 1415, C replaced by T.
Protein change: p.Ser472Leu; replaces serine 472 with leucine.
Molecular consequence: missense variant.
Genome position (GRCh38, 1-based): chr19:608,160, C>T. VCF-style: chr19-608160-C-T. GRCh37 (hg19) VCF-style: chr19-608160-C-T.
Other names: short protein forms S472L.
Identifiers: ClinVar variation 2648847 (VCV002648847.24), dbSNP rs768008986, ClinGen allele CA9018429.

ClinVar aggregate classification (germline): Uncertain significance (1 of 4 stars; one submission).

Allele frequency attached by ClinVar (database versions not stated): gnomAD exomes below 0.00001; ExAC 0.00001.
gnomAD v4.1: 1 of 1,612,950 alleles (0.000062%); highest among the groups gnomAD compares: Non-Finnish European, 0.000085%; no homozygotes.

Submission:

CeGaT Center for Human Genetics Tuebingen
Classification: Uncertain significance. Last evaluated: 2022-06-01. Review status: criteria provided, single submitter. Criteria: CeGaT Center For Human Genetics Tuebingen Variant Classification Criteria Version 2. Collection method: clinical testing. Allele origin: germline. Affected: yes. Observed: 1 variant allele.
Comment: HCN2: PP2, PP3